The following is an entry in ClinVar:

NM_018060.4(IARS2):c.1743+4A>G

Gene: IARS2 (isoleucyl-tRNA synthetase 2, mitochondrial; plus strand). Cytogenetic location: 1q41.
Variant type: single nucleotide variant.
Coding change: c.1743+4A>G on transcript NM_018060.4 (MANE Select); 4 bases into the intron after coding-DNA position 1743, A replaced by G.
Molecular consequence: intron variant.
Genome position (GRCh38, 1-based): chr1:220,125,343, A>G. VCF-style: chr1-220125343-A-G. GRCh37 (hg19) VCF-style: chr1-220298685-A-G.
Identifiers: ClinVar variation 3048171 (VCV003048171.2), dbSNP rs1436717034, ClinGen allele CA731758412.

ClinVar aggregate classification (germline): Likely benign (0 of 4 stars; one submission).

Conditions:
IARS2-related disorder. Also called: IARS2-related condition.

Allele frequency attached by ClinVar (database versions not stated): gnomAD exomes below 0.00001; TOPMed 0.00001.
gnomAD v4.1: 1 of 1,585,296 alleles (0.000063%); highest among the groups gnomAD compares: Non-Finnish European, 0.000087%; no homozygotes.

Submission:

PreventionGenetics, part of Exact Sciences
Classification: Likely benign for IARS2-related condition. Last evaluated: 2019-12-09. Review status: no assertion criteria provided. Collection method: clinical testing. Allele origin: germline.
Comment: This variant is classified as likely benign based on ACMG/AMP sequence variant interpretation guidelines (Richards et al. 2015 PMID: 25741868, with internal and published modifications).